The following is an entry in ClinVar:

ClinVar aggregate classification (germline): Uncertain significance (1 of 4 stars; one submission).

Allele frequency attached by ClinVar (database versions not stated): gnomAD exomes 0.00001.
gnomAD v4.1: 16 of 1,612,136 alleles (0.00099%); highest among the groups gnomAD compares: Non-Finnish European, 0.0014%; no homozygotes.

Submission:

Labcorp Genetics (formerly Invitae), Labcorp
Classification: Uncertain significance. Last evaluated: 2023-07-18. Review status: criteria provided, single submitter. Criteria: Invitae Variant Classification Sherloc (09022015). Collection method: clinical testing. Allele origin: germline.
Comment: In summary, the available evidence is currently insufficient to determine the role of this variant in disease. Therefore, it has been classified as a Variant of Uncertain Significance. Advanced modeling of protein sequence and biophysical properties (such as structural, functional, and spatial information, amino acid conservation, physicochemical variation, residue mobility, and thermodynamic stability) performed at Invitae indicates that this missense variant is not expected to disrupt RAI1 protein function. ClinVar contains an entry for this variant (Variation ID: 1982076). This variant has not been reported in the literature in individuals affected with RAI1-related conditions. This variant is not present in population databases (gnomAD no frequency). This sequence change replaces lysine, which is basic and polar, with glutamic acid, which is acidic and polar, at codon 1175 of the RAI1 protein (p.Lys1175Glu).

NM_030665.4(RAI1):c.3523A>G (p.Lys1175Glu)

Gene: RAI1 (retinoic acid induced 1; plus strand). Cytogenetic location: 17p11.2.
Variant type: single nucleotide variant.
Coding change: c.3523A>G on transcript NM_030665.4 (MANE Select); coding-DNA position 3523, A replaced by G.
Protein change: p.Lys1175Glu; replaces lysine 1175 with glutamic acid.
Molecular consequence: missense variant.
Genome position (GRCh38, 1-based): chr17:17,796,471, A>G. VCF-style: chr17-17796471-A-G. GRCh37 (hg19) VCF-style: chr17-17699785-A-G.
Other names: short protein forms K1175E.
Identifiers: ClinVar variation 1982076 (VCV001982076.2), dbSNP rs2032254320, ClinGen allele CA398554387.